The following is an entry in ClinVar:

NM_001378120.1(MBD5):c.1186A>G (p.Met396Val)

Gene: MBD5 (methyl-CpG binding domain protein 5; plus strand). Cytogenetic location: 2q23.1.
Variant type: single nucleotide variant.
Coding change: c.1186A>G on transcript NM_001378120.1 (MANE Select); coding-DNA position 1186, A replaced by G.
Protein change: p.Met396Val; replaces methionine 396 with valine.
Molecular consequence: missense variant.
Genome position (GRCh38, 1-based): chr2:148,469,129, A>G. VCF-style: chr2-148469129-A-G. GRCh37 (hg19) VCF-style: chr2-149226698-A-G.
Other names: c.1186A>G, p.Met396Val (NM_018328.5); short protein forms M396V.
Identifiers: ClinVar variation 3365839 (VCV003365839.1).
Genomic context (GRCh38, chr2:148,469,129, plus strand): 5'-ATTAATCCAACCAGTTTCCATTCAAATGTCCACTCTCAGGTACCTATGATGAATGTAAGC[A>G]TGCCTCCTGCTGTTGTTCCTTTGCCAAGTAATCTCCCATTGCCAACTGTAAAACCTGGTC-3'
Protein context (NP_001365049.1, residues 386-406): HSQVPMMNVS[Met396Val]PPAVVPLPSN

ClinVar aggregate classification (germline): Uncertain significance (1 of 4 stars; one submission).

Submission:

GeneDx
Classification: Uncertain significance. Last evaluated: 2023-12-14. Review status: criteria provided, single submitter. Criteria: GeneDx Variant Classification Process June 2021. Collection method: clinical testing. Allele origin: germline. Affected: yes.
Comment: Not observed at significant frequency in large population cohorts (gnomAD); In silico analysis supports that this missense variant does not alter protein structure/function; Has not been previously published as pathogenic or benign to our knowledge